The following is an entry in ClinVar:

NM_003036.4(SKI):c.723C>G (p.Ser241Arg)

Gene: SKI (SKI proto-oncogene; plus strand). Cytogenetic location: 1p36.33.
Variant type: single nucleotide variant.
Coding change: c.723C>G on transcript NM_003036.4 (MANE Select); coding-DNA position 723, C replaced by G.
Protein change: p.Ser241Arg; replaces serine 241 with arginine.
Molecular consequence: missense variant.
Genome position (GRCh38, 1-based): chr1:2,229,489, C>G. VCF-style: chr1-2229489-C-G. GRCh37 (hg19) VCF-style: chr1-2160928-C-G.
Other names: short protein forms S241R.
Identifiers: ClinVar variation 1055588 (VCV001055588.9), dbSNP rs2100790799, ClinGen allele CA337954888.

ClinVar aggregate classification (germline): Uncertain significance (1 of 4 stars; one submission).

Conditions:
Shprintzen-Goldberg syndrome (SGS). Also called: Marfanoid disorder with craniosynostosis type 1; Marfanoid craniosynostosis syndrome; Shprintzen-Goldberg marfanoid syndrome; SHPRINTZEN-GOLDBERG CRANIOSYNOSTOSIS SYNDROME; CRANIOSYNOSTOSIS WITH ARACHNODACTYLY AND ABDOMINAL HERNIAS. Identifiers: Orphanet 2462, MedGen C1321551, MONDO:0008426, OMIM 182212.

gnomAD v4.1: 1 of 1,611,622 alleles (0.000062%); highest among the groups gnomAD compares: South Asian, 0.0011%; no homozygotes.

Submission:

Labcorp Genetics (formerly Invitae), Labcorp
Classification: Uncertain significance for Shprintzen-Goldberg syndrome. Last evaluated: 2025-01-12. Review status: criteria provided, single submitter. Criteria: Invitae Variant Classification Sherloc (09022015). Collection method: clinical testing. Allele origin: germline.
Comment: This sequence change replaces serine, which is neutral and polar, with arginine, which is basic and polar, at codon 241 of the SKI protein (p.Ser241Arg). This variant is not present in population databases (gnomAD no frequency). This variant has not been reported in the literature in individuals affected with SKI-related conditions. ClinVar contains an entry for this variant (Variation ID: 1055588). Invitae Evidence Modeling of protein sequence and biophysical properties (such as structural, functional, and spatial information, amino acid conservation, physicochemical variation, residue mobility, and thermodynamic stability) indicates that this missense variant is not expected to disrupt SKI protein function with a negative predictive value of 95%. In summary, the available evidence is currently insufficient to determine the role of this variant in disease. Therefore, it has been classified as a Variant of Uncertain Significance.